The following is an entry in ClinVar:

ClinVar aggregate classification (germline): Benign (1 of 4 stars; one submission).

Allele frequency attached by ClinVar (database versions not stated): gnomAD exomes 0.01540; gnomAD 0.10816 and 0.11539; TOPMed 0.10993; 1000 Genomes Project 0.11282; 1000 Genomes Project 30x 0.12133.
gnomAD v4.1: 27,625 of 946,582 alleles (2.9%); highest among the groups gnomAD compares: African/African-American, 34%; 3,304 homozygotes.

Submission:

GeneDx
Classification: Benign. Last evaluated: 2018-06-16. Review status: criteria provided, single submitter. Criteria: GeneDx Variant Classification (06012015). Collection method: clinical testing. Allele origin: germline. Affected: yes.
Comment: This variant is considered likely benign or benign based on one or more of the following criteria: it is a conservative change, it occurs at a poorly conserved position in the protein, it is predicted to be benign by multiple in silico algorithms, and/or has population frequency not consistent with disease.

NM_003073.5(SMARCB1):c.362+132C>T

Gene: SMARCB1 (SWI/SNF related BAF chromatin remodeling complex subunit B1; plus strand). Cytogenetic location: 22q11.23.
Variant type: single nucleotide variant.
Coding change: c.362+132C>T on transcript NM_003073.5 (MANE Select); 132 bases into the intron after coding-DNA position 362, C replaced by T.
Molecular consequence: intron variant.
Genome position (GRCh38, 1-based): chr22:23,793,820, C>T. VCF-style: chr22-23793820-C-T. GRCh37 (hg19) VCF-style: chr22-24136007-C-T.
Other names: c.362+132C>T (NM_001362877.2); c.335+132C>T (NM_001317946.2, NM_001007468.3).
Identifiers: ClinVar variation 677797 (VCV000677797.1), dbSNP rs6003886, ClinGen allele CA322597042.